The following is an entry in ClinVar:

NM_001029883.3(PCARE):c.238G>T (p.Asp80Tyr)

Gene: PCARE (photoreceptor cilium actin regulator; minus strand). Cytogenetic location: 2p23.2.
Variant type: single nucleotide variant.
Coding change: c.238G>T on transcript NM_001029883.3 (MANE Select); coding-DNA position 238, G replaced by T.
Protein change: p.Asp80Tyr; replaces aspartic acid 80 with tyrosine.
Molecular consequence: missense variant.
Genome position (GRCh38, 1-based): chr2:29,074,024, C>A on the plus strand (G>T on the coding strand, the complement: PCARE is on the minus strand). VCF-style: chr2-29074024-C-A. GRCh37 (hg19) VCF-style: chr2-29296890-C-A.
Other names: short protein forms D80Y.
Identifiers: ClinVar variation 1021955 (VCV001021955.6), dbSNP rs1434226256, ClinGen allele CA346482742.

ClinVar aggregate classification (germline): Uncertain significance (1 of 4 stars; one submission).

Allele frequency attached by ClinVar (database versions not stated): gnomAD exomes below 0.00001; gnomAD 0.00001 and 0.00003; TOPMed 0.00001.

Submission:

Labcorp Genetics (formerly Invitae), Labcorp
Classification: Uncertain significance. Last evaluated: 2020-09-12. Review status: criteria provided, single submitter. Criteria: Invitae Variant Classification Sherloc (09022015). Collection method: clinical testing. Allele origin: germline.
Comment: This sequence change replaces aspartic acid with tyrosine at codon 80 of the PCARE protein (p.Asp80Tyr). The aspartic acid residue is moderately conserved and there is a large physicochemical difference between aspartic acid and tyrosine. In summary, the available evidence is currently insufficient to determine the role of this variant in disease. Therefore, it has been classified as a Variant of Uncertain Significance. Algorithms developed to predict the effect of missense changes on protein structure and function are either unavailable or do not agree on the potential impact of this missense change (SIFT: "Deleterious"; PolyPhen-2: "Possibly Damaging"; Align-GVGD: "Class C0"). This variant has not been reported in the literature in individuals with PCARE-related conditions. This variant is not present in population databases (ExAC no frequency).